The following is an entry in ClinVar:

ClinVar aggregate classification (germline): Uncertain significance. Review status: criteria provided, multiple submitters, no conflicts (2 of 4 stars). 2 submissions from 2 submitters: Uncertain significance (2). Last evaluated 2024-08-04.

Conditions:
Inborn genetic diseases. Identifiers: MedGen C0950123, MeSH D030342.

Allele frequency attached by ClinVar (database versions not stated): gnomAD exomes below 0.00001.
gnomAD v4.1: 5 of 1,613,902 alleles (0.00031%); highest among the groups gnomAD compares: South Asian, 0.0022%; no homozygotes.

Submissions (2):

Labcorp Genetics (formerly Invitae), Labcorp
Classification: Uncertain significance. Last evaluated: 2024-08-04. Review status: criteria provided, single submitter. Criteria: Invitae Variant Classification Sherloc (09022015). Collection method: clinical testing. Allele origin: germline.
Comment: This sequence change replaces phenylalanine, which is neutral and non-polar, with leucine, which is neutral and non-polar, at codon 5105 of the ADGRV1 protein (p.Phe5105Leu). This variant is not present in population databases (gnomAD no frequency). This variant has not been reported in the literature in individuals affected with ADGRV1-related conditions. ClinVar contains an entry for this variant (Variation ID: 2491407). An algorithm developed to predict the effect of missense changes on protein structure and function outputs the following: PolyPhen-2: "Benign". The leucine amino acid residue is found in multiple mammalian species, which suggests that this missense change does not adversely affect protein function. In summary, the available evidence is currently insufficient to determine the role of this variant in disease. Therefore, it has been classified as a Variant of Uncertain Significance.

Ambry Genetics
Classification: Uncertain significance for Inborn genetic diseases. Last evaluated: 2023-02-28. Review status: criteria provided, single submitter. Criteria: Ambry Variant Classification Scheme 2023. Collection method: clinical testing. Allele origin: germline.

NM_032119.4(ADGRV1):c.15313T>C (p.Phe5105Leu)

Gene: ADGRV1 (adhesion G protein-coupled receptor V1; plus strand). Cytogenetic location: 5q14.3.
Variant type: single nucleotide variant.
Coding change: c.15313T>C on transcript NM_032119.4 (MANE Select); coding-DNA position 15313, T replaced by C.
Protein change: p.Phe5105Leu; replaces phenylalanine 5105 with leucine.
Molecular consequence: missense variant. On other transcripts: non-coding transcript variant (1).
Genome position (GRCh38, 1-based): chr5:90,810,573, T>C. VCF-style: chr5-90810573-T-C. GRCh37 (hg19) VCF-style: chr5-90106390-T-C.
Other names: short protein forms F5105L.
Identifiers: ClinVar variation 2491407 (VCV002491407.4), dbSNP rs368603401, ClinGen allele CA122821593.
Genomic context (GRCh38, chr5:90,810,573, plus strand): 5'-GAGATAGAAGAATTTTTTTACATTAACCTTACTTCAGTAGAAATTAGGGGATTACAAAAG[T>C]TTGATGTTAATTGGAGCCCACGCCTGAATCTAGATTTCAGTGTTGCAGTGATTACAATAT-3'
Protein context (NP_115495.3, residues 5095-5115): TSVEIRGLQK[Phe5105Leu]DVNWSPRLNL